The following is an entry in ClinVar:

ClinVar aggregate classification (germline): Uncertain significance (1 of 4 stars; one submission).

Submission:

Labcorp Genetics (formerly Invitae), Labcorp
Classification: Uncertain significance. Last evaluated: 2025-01-21. Review status: criteria provided, single submitter. Criteria: Invitae Variant Classification Sherloc (09022015). Collection method: clinical testing. Allele origin: germline.
Comment: This sequence change creates a premature translational stop signal (p.Leu55Hisfs*2) in the GNB3 gene. It is expected to result in an absent or disrupted protein product. However, the current clinical and genetic evidence is not sufficient to establish whether loss-of-function variants in GNB3 cause disease. This variant is present in population databases (no rsID available, gnomAD 0.001%). This variant has not been reported in the literature in individuals affected with GNB3-related conditions. In summary, the available evidence is currently insufficient to determine the role of this variant in disease. Therefore, it has been classified as a Variant of Uncertain Significance.

NM_002075.4(GNB3):c.164_192del (p.Leu55fs)

Gene: GNB3 (G protein subunit beta 3; plus strand). Cytogenetic location: 12p13.31.
Variant type: Deletion.
Coding change: c.164_192del on transcript NM_002075.4 (MANE Select); coding-DNA positions 164 to 192, 29 bases deleted (TGGCCAAGATTTACGCCATGCACTGGGCC).
Protein change: p.Leu55fs; shifts the reading frame from leucine 55.
Molecular consequence: frameshift variant.
Genome position (GRCh38, 1-based): chr12:6,843,037-6,843,065, TGGCCAAGATTTACGCCATGCACTGGGCC deleted; deleting any 29 consecutive bases within chr12:6,843,035-6,843,065 gives the same sequence; the c. name uses the placement nearest the transcript's 3' end. VCF-style (leftmost placement, unchanged base first): chr12-6843034-ACCTGGCCAAGATTTACGCCATGCACTGGG-A. GRCh37 (hg19) VCF-style: chr12-6952198-ACCTGGCCAAGATTTACGCCATGCACTGGG-A.
Other names: c.164_192del, p.Leu55fs (NM_001297571.2); short protein forms L55fs.
Identifiers: ClinVar variation 3614694 (VCV003614694.2).